The following is an entry in ClinVar:

NM_025132.4(WDR19):c.592G>A (p.Ala198Thr)

Gene: WDR19 (WD repeat domain 19; plus strand). Cytogenetic location: 4p14.
Variant type: single nucleotide variant.
Coding change: c.592G>A on transcript NM_025132.4 (MANE Select); coding-DNA position 592, G replaced by A.
Protein change: p.Ala198Thr; replaces alanine 198 with threonine.
Molecular consequence: missense variant.
Genome position (GRCh38, 1-based): chr4:39,203,711, G>A. VCF-style: chr4-39203711-G-A. GRCh37 (hg19) VCF-style: chr4-39205331-G-A.
Other names: c.592G>A (NM_025132.3); c.112G>A, p.Ala38Thr (NM_001317924.2); short protein forms A198T, A38T.
Identifiers: ClinVar variation 1001518 (VCV001001518.9), dbSNP rs575149055, ClinGen allele CA95685456.

ClinVar aggregate classification (germline): Uncertain significance. Review status: criteria provided, multiple submitters, no conflicts (2 of 4 stars). 3 submissions from 3 submitters: Uncertain significance (3). Last evaluated 2025-10-01.

Conditions:
Inborn genetic diseases. Identifiers: MedGen C0950123, MeSH D030342.
Spermatogenic failure 72 (SPGF72). Identifiers: MedGen C5676980, MONDO:0030809, OMIM 619867.
Senior-Loken syndrome 8 (SLSN8). Identifiers: Orphanet 3156, MedGen C4225376, MONDO:0014579, OMIM 616307.
Asphyxiating thoracic dystrophy 5 (SRTD5). Also called: SHORT-RIB THORACIC DYSPLASIA 5 WITH OR WITHOUT POLYDACTYLY; SHORT-RIB THORACIC DYSPLASIA 5 WITHOUT POLYDACTYLY. Identifiers: Orphanet 474, MedGen C3280598, MONDO:0013717, OMIM 614376.
Nephronophthisis 13 (NPHP13). Identifiers: Orphanet 655, MedGen C3280612, MONDO:0013718, OMIM 614377.
Cranioectodermal dysplasia 4 (CED4). Identifiers: Orphanet 1515, MedGen C3280616, MONDO:0013719, OMIM 614378.

Allele frequency attached by ClinVar (database versions not stated): gnomAD exomes 0.00001; TOPMed 0.00003; gnomAD 0.00005.
gnomAD v4.1: 17 of 1,611,222 alleles (0.0011%); highest among the groups gnomAD compares: Non-Finnish European, 0.0014%; no homozygotes.

Submissions (3):

Labcorp Genetics (formerly Invitae), Labcorp
Classification: Uncertain significance for Senior-Loken syndrome 8; Asphyxiating thoracic dystrophy 5. Last evaluated: 2025-10-01. Review status: criteria provided, single submitter. Criteria: Invitae Variant Classification Sherloc (09022015). Collection method: clinical testing. Allele origin: germline.
Comment: This sequence change replaces alanine, which is neutral and non-polar, with threonine, which is neutral and polar, at codon 198 of the WDR19 protein (p.Ala198Thr). This variant is present in population databases (rs575149055, gnomAD 0.007%). This variant has not been reported in the literature in individuals affected with WDR19-related conditions. ClinVar contains an entry for this variant (Variation ID: 1001518). Invitae Evidence Modeling of protein sequence and biophysical properties (such as structural, functional, and spatial information, amino acid conservation, physicochemical variation, residue mobility, and thermodynamic stability) indicates that this missense variant is not expected to disrupt WDR19 protein function with a negative predictive value of 80%. In summary, the available evidence is currently insufficient to determine the role of this variant in disease. Therefore, it has been classified as a Variant of Uncertain Significance.

Ambry Genetics
Classification: Uncertain significance for Inborn genetic diseases. Last evaluated: 2025-08-10. Review status: criteria provided, single submitter. Criteria: Ambry Variant Classification Scheme 2023. Collection method: clinical testing. Allele origin: germline.

Fulgent Genetics
Classification: Uncertain significance for Asphyxiating thoracic dystrophy 5; Nephronophthisis 13; Cranioectodermal dysplasia 4; Senior-Loken syndrome 8; Spermatogenic failure 72. Last evaluated: 2024-05-29. Review status: criteria provided, single submitter. Criteria: ACMG Guidelines, 2015. Collection method: clinical testing. Allele origin: germline.